The following is an entry in ClinVar:

ClinVar aggregate classification (germline): Uncertain significance (1 of 4 stars; one submission).

Allele frequency attached by ClinVar (database versions not stated): gnomAD exomes 0.00001.
gnomAD v4.1: 8 of 1,613,794 alleles (0.0005%); highest among the groups gnomAD compares: Non-Finnish European, 0.00068%; no homozygotes.

Submission:

GeneDx
Classification: Uncertain significance. Last evaluated: 2019-11-08. Review status: criteria provided, single submitter. Criteria: GeneDx Variant Classification Process June 2021. Collection method: clinical testing. Allele origin: germline. Affected: yes.
Comment: Not observed in large population cohorts (Lek et al., 2016); In silico analysis, which includes protein predictors and evolutionary conservation, supports that this variant does not alter protein structure/function; Has not been previously published as pathogenic or benign to our knowledge

NM_032119.4(ADGRV1):c.18087A>G (p.Ile6029Met)

Gene: ADGRV1 (adhesion G protein-coupled receptor V1; plus strand). Cytogenetic location: 5q14.3.
Variant type: single nucleotide variant.
Coding change: c.18087A>G on transcript NM_032119.4 (MANE Select); coding-DNA position 18087, A replaced by G.
Protein change: p.Ile6029Met; replaces isoleucine 6029 with methionine.
Molecular consequence: missense variant. On other transcripts: non-coding transcript variant (1).
Genome position (GRCh38, 1-based): chr5:90,985,457, A>G. VCF-style: chr5-90985457-A-G. GRCh37 (hg19) VCF-style: chr5-90281274-A-G.
Other names: short protein forms I6029M.
Identifiers: ClinVar variation 1315944 (VCV001315944.2), dbSNP rs939854667, ClinGen allele CA122930941.
Genomic context (GRCh38, chr5:90,985,457, plus strand): 5'-ATATCTGCTGTTTTTCCTTCTGAGTTGGGGACTACCAGCTTTTGTGGTGATTCTCCTCAT[A>G]GTTATTTTGAAAGGAATCTATCATCAGAGCATGTCACAGATCTATGGACTCATTCATGGT-3'
Protein context (NP_115495.3, residues 6019-6039): GLPAFVVILL[Ile6029Met]VILKGIYHQS